The following is an entry in ClinVar:

ClinVar aggregate classification (germline): Benign (1 of 4 stars; one submission).

Submission:

GeneDx
Classification: Benign. Last evaluated: 2018-06-19. Review status: criteria provided, single submitter. Criteria: GeneDx Variant Classification (06012015). Collection method: clinical testing. Allele origin: germline. Affected: yes.
Comment: This variant is considered likely benign or benign based on one or more of the following criteria: it is a conservative change, it occurs at a poorly conserved position in the protein, it is predicted to be benign by multiple in silico algorithms, and/or has population frequency not consistent with disease.

NM_130839.5(UBE3A):c.63-68_63-66del

Genes: SNHG14 (small nucleolar RNA host gene 14; plus strand), UBE3A (ubiquitin protein ligase E3A; minus strand). Cytogenetic location: 15q11.2.
Variant type: Microsatellite.
Coding change: c.63-68_63-66del on transcript NM_130839.5 (MANE Select); 68 bases into the intron before coding-DNA position 63 through 66 bases into the intron before coding-DNA position 63, 3 bases deleted (GAT; older notation c.63-68_63-66delGAT).
Molecular consequence: intron variant.
Genome position (GRCh38, 1-based): chr15:25,375,829-25,375,831, ATC deleted on the plus strand (GAT on the coding strand, the reverse complement: UBE3A is on the minus strand); deleting any 3 consecutive bases within chr15:25,375,829-25,375,835 gives the same sequence; the c. name uses the placement nearest the transcript's 3' end. VCF-style (leftmost placement, unchanged base first): chr15-25375828-TATC-T. GRCh37 (hg19) VCF-style: chr15-25620975-TATC-T.
Other names: c.-115-68_-115-66del (NM_001354546.2); c.3-68_3-66del (NM_001354551.2, NM_001354549.2, NM_001354548.2 and 18 more transcripts); c.63-68_63-66del (NM_001354550.2, NM_001354545.2, NM_001354538.2 and 1 more transcripts); c.72-68_72-66del (NM_000462.5).
Identifiers: ClinVar variation 673204 (VCV000673204.1), dbSNP rs71418040, ClinGen allele CA267788058.